The following is an entry in ClinVar:

ClinVar aggregate classification (germline): Uncertain significance (1 of 4 stars; one submission).

Allele frequency attached by ClinVar (database versions not stated): TOPMed below 0.00001; ExAC 0.00001; gnomAD 0.00001; gnomAD exomes 0.00001; 1000 Genomes Project 30x 0.00016; 1000 Genomes Project 0.00020.

Submission:

Labcorp Genetics (formerly Invitae), Labcorp
Classification: Uncertain significance. Last evaluated: 2023-02-04. Review status: criteria provided, single submitter. Criteria: Invitae Variant Classification Sherloc (09022015). Collection method: clinical testing. Allele origin: germline.
Comment: This sequence change replaces glutamine, which is neutral and polar, with arginine, which is basic and polar, at codon 591 of the TET2 protein (p.Gln591Arg). The frequency data for this variant in the population databases is considered unreliable, as metrics indicate poor data quality at this position in the gnomAD database. This variant has not been reported in the literature in individuals affected with TET2-related conditions. Algorithms developed to predict the effect of missense changes on protein structure and function output the following: SIFT: "Tolerated"; PolyPhen-2: "Benign"; Align-GVGD: "Class C0". The arginine amino acid residue is found in multiple mammalian species, which suggests that this missense change does not adversely affect protein function. In summary, the available evidence is currently insufficient to determine the role of this variant in disease. Therefore, it has been classified as a Variant of Uncertain Significance.

NM_001127208.3(TET2):c.1772A>G (p.Gln591Arg)

Genes: TET2 (tet methylcytosine dioxygenase 2; plus strand), TET2-AS1 (TET2 antisense RNA 1; minus strand). Cytogenetic location: 4q24.
Variant type: single nucleotide variant.
Coding change: c.1772A>G on transcript NM_001127208.3 (MANE Select); coding-DNA position 1772, A replaced by G.
Protein change: p.Gln591Arg; replaces glutamine 591 with arginine.
Molecular consequence: missense variant.
Genome position (GRCh38, 1-based): chr4:105,235,714, A>G. VCF-style: chr4-105235714-A-G. GRCh37 (hg19) VCF-style: chr4-106156871-A-G.
Other names: c.1772A>G, p.Gln591Arg (NM_017628.4); short protein forms Q591R.
Identifiers: ClinVar variation 2783277 (VCV002783277.3), dbSNP rs192777485, ClinGen allele CA3031755.
Genomic context (GRCh38, chr4:105,235,714, plus strand): 5'-GTTTTCACCAAGCGGAATCCCATCTAAAACGTAATGAGGCATCACTGCCATCAATTCTTC[A>G]GTATCAACCCAATCTCTCCAATCAAATGACCTCCAAACAATACACTGGAAATTCCAACAT-3'
Protein context (NP_001120680.1, residues 581-601): RNEASLPSIL[Gln591Arg]YQPNLSNQMT